The following is an entry in ClinVar:

NM_001378120.1(MBD5):c.2060T>G (p.Leu687Trp)

Gene: MBD5 (methyl-CpG binding domain protein 5; plus strand). Cytogenetic location: 2q23.1.
Variant type: single nucleotide variant.
Coding change: c.2060T>G on transcript NM_001378120.1 (MANE Select); coding-DNA position 2060, T replaced by G.
Protein change: p.Leu687Trp; replaces leucine 687 with tryptophan.
Molecular consequence: missense variant.
Genome position (GRCh38, 1-based): chr2:148,470,003, T>G. VCF-style: chr2-148470003-T-G. GRCh37 (hg19) VCF-style: chr2-149227572-T-G.
Other names: c.2060T>G, p.Leu687Trp (NM_018328.5); short protein forms L687W.
Identifiers: ClinVar variation 2810579 (VCV002810579.3), dbSNP rs770615895, ClinGen allele CA348721024.

ClinVar aggregate classification (germline): Uncertain significance (1 of 4 stars; one submission).

Conditions:
Intellectual developmental disorder, autosomal dominant 1. Also called: MBD5 Haploinsufficiency; Intellectual disability, autosomal dominant 1. Identifiers: Orphanet 228402, MedGen C1969562, MONDO:0007974, OMIM 156200.

Allele frequency attached by ClinVar (database versions not stated): gnomAD exomes below 0.00001.
gnomAD v4.1: 3 of 1,613,700 alleles (0.00019%); highest among the groups gnomAD compares: Non-Finnish European, 0.00025%; no homozygotes.

Submission:

Labcorp Genetics (formerly Invitae), Labcorp
Classification: Uncertain significance for Intellectual developmental disorder, autosomal dominant 1. Last evaluated: 2022-10-29. Review status: criteria provided, single submitter. Criteria: Invitae Variant Classification Sherloc (09022015). Collection method: clinical testing. Allele origin: germline.
Comment: In summary, the available evidence is currently insufficient to determine the role of this variant in disease. Therefore, it has been classified as a Variant of Uncertain Significance. This sequence change replaces leucine, which is neutral and non-polar, with tryptophan, which is neutral and slightly polar, at codon 687 of the MBD5 protein (p.Leu687Trp). This variant is present in population databases (no rsID available, gnomAD 0.002%). This variant has not been reported in the literature in individuals affected with MBD5-related conditions. Advanced modeling of protein sequence and biophysical properties (such as structural, functional, and spatial information, amino acid conservation, physicochemical variation, residue mobility, and thermodynamic stability) performed at Invitae indicates that this missense variant is not expected to disrupt MBD5 protein function.